The following is an entry in ClinVar:

NM_000379.4(XDH):c.2252T>C (p.Ile751Thr)

Gene: XDH (xanthine dehydrogenase; minus strand). Cytogenetic location: 2p23.1.
Variant type: single nucleotide variant.
Coding change: c.2252T>C on transcript NM_000379.4 (MANE Select); coding-DNA position 2252, T replaced by C.
Protein change: p.Ile751Thr; replaces isoleucine 751 with threonine.
Molecular consequence: missense variant.
Genome position (GRCh38, 1-based): chr2:31,366,940, A>G on the plus strand (T>C on the coding strand, the complement: XDH is on the minus strand). VCF-style: chr2-31366940-A-G. GRCh37 (hg19) VCF-style: chr2-31589806-A-G.
Other names: short protein forms I751T.
Identifiers: ClinVar variation 640681 (VCV000640681.9), dbSNP rs767059856, ClinGen allele CA1598892.

ClinVar aggregate classification (germline): Uncertain significance. Review status: criteria provided, multiple submitters, no conflicts (2 of 4 stars). 3 submissions from 3 submitters: Uncertain significance (3). Last evaluated 2023-01-04.

Conditions:
Xanthinuria type II. Also called: Xanthine dehydrogenase and aldehyde oxidase combined deficiency of; XDH and AOX dual deficiency. Identifiers: Orphanet 3467, Orphanet 93602, MedGen C1863688, MONDO:0011346, OMIM 603592.
Hereditary xanthinuria type 1 (XAN1). Identifiers: Orphanet 3467, Orphanet 93601, MedGen C0268118, MONDO:0010209, OMIM 278300.

Allele frequency attached by ClinVar (database versions not stated): ExAC 0.00001; gnomAD 0.00002 and 0.00003; gnomAD exomes 0.00002; TOPMed 0.00002.
gnomAD v4.1: 29 of 1,614,158 alleles (0.0018%); highest among the groups gnomAD compares: South Asian, 0.0022%; no homozygotes.

Submissions (3):

Labcorp Genetics (formerly Invitae), Labcorp
Classification: Uncertain significance for Xanthinuria type II. Last evaluated: 2023-01-04. Review status: criteria provided, single submitter. Criteria: Invitae Variant Classification Sherloc (09022015). Collection method: clinical testing. Allele origin: germline.
Comment: This sequence change replaces isoleucine, which is neutral and non-polar, with threonine, which is neutral and polar, at codon 751 of the XDH protein (p.Ile751Thr). In summary, the available evidence is currently insufficient to determine the role of this variant in disease. Therefore, it has been classified as a Variant of Uncertain Significance. Algorithms developed to predict the effect of missense changes on protein structure and function (SIFT, PolyPhen-2, Align-GVGD) all suggest that this variant is likely to be disruptive. ClinVar contains an entry for this variant (Variation ID: 640681). This variant has not been reported in the literature in individuals affected with XDH-related conditions. This variant is present in population databases (rs767059856, gnomAD 0.003%).

Fulgent Genetics
Classification: Uncertain significance for Hereditary xanthinuria type 1. Last evaluated: 2021-12-28. Review status: criteria provided, single submitter. Criteria: ACMG Guidelines, 2015. Collection method: clinical testing. Allele origin: unknown.

Illumina Laboratory Services, Illumina
Classification: Uncertain significance for Hereditary xanthinuria type 1. Last evaluated: 2018-01-13. Review status: criteria provided, single submitter. Criteria: ICSL Variant Classification Criteria 13 December 2019. Collection method: clinical testing. Allele origin: germline.